The following is an entry in ClinVar:

NM_001371928.1(AHDC1):c.2458G>A (p.Gly820Ser)

Gene: AHDC1 (AT-hook DNA binding motif containing 1; minus strand). Cytogenetic location: 1p36.11.
Variant type: single nucleotide variant.
Coding change: c.2458G>A on transcript NM_001371928.1 (MANE Select); coding-DNA position 2458, G replaced by A.
Protein change: p.Gly820Ser; replaces glycine 820 with serine.
Molecular consequence: missense variant.
Genome position (GRCh38, 1-based): chr1:27,549,658, C>T on the plus strand (G>A on the coding strand, the complement: AHDC1 is on the minus strand). VCF-style: chr1-27549658-C-T. GRCh37 (hg19) VCF-style: chr1-27876169-C-T.
Other names: c.2458G>A, p.Gly820Ser (NM_001029882.3); short protein forms G820S.
Identifiers: ClinVar variation 5040117 (VCV005040117.1).

ClinVar aggregate classification (germline): Uncertain significance (1 of 4 stars; one submission).

Submission:

CeGaT Center for Human Genetics Tuebingen
Classification: Uncertain significance. Last evaluated: 2026-07-01. Review status: criteria provided, single submitter. Criteria: CeGaT Center For Human Genetics Tuebingen Variant Classification Criteria Version 2. Collection method: clinical testing. Allele origin: germline. Affected: yes. Observed: 1 variant allele.
Comment: AHDC1: PM2, BP4